The following is an entry in ClinVar:

ClinVar aggregate classification (germline): Likely pathogenic. Review status: criteria provided, single submitter (1 of 4 stars). 2 submissions from 2 submitters: Likely pathogenic (1). 1 of the submissions does not count toward it. Last evaluated 2025-03-21.

Conditions:
Leber congenital amaurosis (LCA). Also called: Leber's amaurosis. Identifiers: Orphanet 65, MedGen C0339527, MeSH D057130, MONDO:0018998.
Leber congenital amaurosis 8 (LCA8). Identifiers: Orphanet 65, MedGen C3151202, MONDO:0013453, OMIM 613835.

Submissions (2):

Natera, Inc.
Classification: Likely pathogenic for Leber congenital amaurosis. Last evaluated: 2025-03-21. Review status: criteria provided, single submitter. Criteria: Natera Variant Classification Schema (03/2026). Collection method: clinical testing. Allele origin: germline.
Comment: The c.4142C>G variant in CRB1 is a missense variant predicted to cause substitution of proline to arginine at amino acid 1381. This variant is rare in the general population with a frequency below the threshold expected for the associated phenotype(s). This variant has been observed in one or more individuals affected with the associated recessive disease, as either homozygous or compound heterozygous with a second variant (PMID: 39699888, 39089008, 38219857, 34884448). A different variant at the same position has been determined to be Pathogenic or Likely Pathogenic. Computational prediction algorithms indicate this variant is likely to affect gene or protein function. Given the available evidence, this variant is classified as Likely Pathogenic.

Laboratory of Genetics in Ophthalmology, Institut Imagine
Classification: Likely pathogenic for Leber congenital amaurosis 8. Review status: no assertion criteria provided. Collection method: research. Allele origin: inherited. Affected: yes. Observed: 1 variant allele. Not counted in ClinVar's aggregate classification.

Literature cited by the submitters: PubMed 39699888 (cited by Natera, Inc.); PubMed 39089008 (cited by Natera, Inc.); PubMed 38219857 (cited by Natera, Inc.); PubMed 34884448 (cited by Natera, Inc.).

NM_201253.3(CRB1):c.4142C>G (p.Pro1381Arg)

Gene: CRB1 (crumbs cell polarity complex component 1; plus strand). Cytogenetic location: 1q31.3.
Variant type: single nucleotide variant.
Coding change: c.4142C>G on transcript NM_201253.3 (MANE Select); coding-DNA position 4142, C replaced by G.
Protein change: p.Pro1381Arg; replaces proline 1381 with arginine.
Molecular consequence: missense variant. On other transcripts: non-coding transcript variant (2).
Genome position (GRCh38, 1-based): chr1:197,477,800, C>G. VCF-style: chr1-197477800-C-G. GRCh37 (hg19) VCF-style: chr1-197446930-C-G.
Other names: c.3806C>G, p.Pro1269Arg (NM_001193640.2); c.4070C>G, p.Pro1357Arg (NM_001257965.2); c.2534C>G, p.Pro845Arg (NM_001257966.2); short protein forms P1269R, P1357R, P1381R, P845R.
Identifiers: ClinVar variation 973918 (VCV000973918.3), dbSNP rs1667264651, ClinGen allele CA344035784.